The following is an entry in ClinVar:

NM_006231.4(POLE):c.5679-5T>G

Gene: POLE (DNA polymerase epsilon, catalytic subunit; minus strand). Cytogenetic location: 12q24.33.
Variant type: single nucleotide variant.
Coding change: c.5679-5T>G on transcript NM_006231.4 (MANE Select); 5 bases into the intron before coding-DNA position 5679, T replaced by G.
Molecular consequence: intron variant.
Genome position (GRCh38, 1-based): chr12:132,636,029, A>C on the plus strand (T>G on the coding strand, the complement: POLE is on the minus strand). VCF-style: chr12-132636029-A-C. GRCh37 (hg19) VCF-style: chr12-133212615-A-C.
Other names: c.5679-5T>G (NM_006231.2).
Identifiers: ClinVar variation 856099 (VCV000856099.10), dbSNP rs1297914465, ClinGen allele CA916082373.

ClinVar aggregate classification (germline): Conflicting classifications of pathogenicity. Review status: criteria provided, conflicting classifications (1 of 4 stars). 2 submissions from 2 submitters: Uncertain significance (1); Likely benign (1). Last evaluated 2025-06-24.

Conditions:
Hereditary cancer-predisposing syndrome. Also called: Tumor predisposition; Hereditary neoplastic syndrome; Neoplastic Syndromes, Hereditary; Hereditary Cancer Syndrome. Identifiers: Orphanet 140162, MedGen C0027672, MeSH D009386, MONDO:0015356.

Allele frequency attached by ClinVar (database versions not stated): gnomAD exomes below 0.00001.
gnomAD v4.1: 1 of 1,610,120 alleles (0.000062%); highest among the groups gnomAD compares: Non-Finnish European, 0.000085%; no homozygotes.

Submissions (2):

Ambry Genetics
Classification: Uncertain significance for Hereditary cancer-predisposing syndrome. Last evaluated: 2025-06-24. Review status: criteria provided, single submitter. Criteria: Ambry Variant Classification Scheme 2023. Collection method: clinical testing. Allele origin: germline.
Comment: The c.5679-5T>G intronic variant results from a T to G substitution 5 nucleotides upstream from coding exon 42 in the POLE gene. This nucleotide position is not well conserved in available vertebrate species. In silico splice site analysis for this alteration is inconclusive. Based on the available evidence, the clinical significance of this variant remains unclear.

Labcorp Genetics (formerly Invitae), Labcorp
Classification: Likely benign. Last evaluated: 2024-06-04. Review status: criteria provided, single submitter. Criteria: Invitae Variant Classification Sherloc (09022015). Collection method: clinical testing. Allele origin: germline.